The following is an entry in ClinVar:

NM_005655.4(KLF10):c.1384A>T (p.Met462Leu)

Gene: KLF10 (KLF transcription factor 10; minus strand). Cytogenetic location: 8q22.3.
Variant type: single nucleotide variant.
Coding change: c.1384A>T on transcript NM_005655.4 (MANE Select); coding-DNA position 1384, A replaced by T.
Protein change: p.Met462Leu; replaces methionine 462 with leucine.
Molecular consequence: missense variant. On other transcripts: non-coding transcript variant (2).
Genome position (GRCh38, 1-based): chr8:102,650,191, T>A on the plus strand (A>T on the coding strand, the complement: KLF10 is on the minus strand). VCF-style: chr8-102650191-T-A. GRCh37 (hg19) VCF-style: chr8-103662419-T-A.
Other names: c.1351A>T, p.Met451Leu (NM_001032282.4); short protein forms M451L, M462L.
Identifiers: ClinVar variation 4808799 (VCV004808799.1).

ClinVar aggregate classification (germline): Uncertain significance (1 of 4 stars; one submission).

Submission:

Labcorp Genetics (formerly Invitae), Labcorp
Classification: Uncertain significance. Last evaluated: 2026-01-21. Review status: criteria provided, single submitter. Criteria: Invitae Variant Classification Sherloc (09022015). Collection method: clinical testing. Allele origin: germline.
Comment: This sequence change replaces methionine, which is neutral and non-polar, with leucine, which is neutral and non-polar, at codon 462 of the KLF10 protein (p.Met462Leu). This variant is not present in population databases (gnomAD no frequency). This variant has not been reported in the literature in individuals affected with KLF10-related conditions. An algorithm developed to predict the effect of missense changes on protein structure and function (PolyPhen-2) suggests that this variant is likely to be tolerated. In summary, the available evidence is currently insufficient to determine the role of this variant in disease. Therefore, it has been classified as a Variant of Uncertain Significance.